The following is an entry in ClinVar:

ClinVar aggregate classification (germline): Uncertain significance (1 of 4 stars; one submission).

Conditions:
RASopathy. Also called: Noonan spectrum disorder; rasopathies. Identifiers: Orphanet 536391, MedGen C5555857, MONDO:0021060.

gnomAD v4.1: 1 of 1,613,426 alleles (0.000062%); highest among the groups gnomAD compares: Non-Finnish European, 0.000085%; no homozygotes.

Submission:

Labcorp Genetics (formerly Invitae), Labcorp
Classification: Uncertain significance for RASopathy. Last evaluated: 2024-09-23. Review status: criteria provided, single submitter. Criteria: Invitae Variant Classification Sherloc (09022015). Collection method: clinical testing. Allele origin: germline.
Comment: This sequence change replaces cysteine, which is neutral and slightly polar, with arginine, which is basic and polar, at codon 440 of the SOS1 protein (p.Cys440Arg). This variant is not present in population databases (gnomAD no frequency). This variant has not been reported in the literature in individuals affected with SOS1-related conditions. Invitae Evidence Modeling of protein sequence and biophysical properties (such as structural, functional, and spatial information, amino acid conservation, physicochemical variation, residue mobility, and thermodynamic stability) has been performed for this missense variant. However, the output from this modeling did not meet the statistical confidence thresholds required to predict the impact of this variant on SOS1 protein function. In summary, the available evidence is currently insufficient to determine the role of this variant in disease. Therefore, it has been classified as a Variant of Uncertain Significance.

NM_005633.4(SOS1):c.1318T>C (p.Cys440Arg)

Gene: SOS1 (SOS Ras/Rac guanine nucleotide exchange factor 1; minus strand). Cytogenetic location: 2p22.1.
Variant type: single nucleotide variant.
Coding change: c.1318T>C on transcript NM_005633.4 (MANE Select); coding-DNA position 1318, T replaced by C.
Protein change: p.Cys440Arg; replaces cysteine 440 with arginine.
Molecular consequence: missense variant.
Genome position (GRCh38, 1-based): chr2:39,023,110, A>G on the plus strand (T>C on the coding strand, the complement: SOS1 is on the minus strand). VCF-style: chr2-39023110-A-G. GRCh37 (hg19) VCF-style: chr2-39250251-A-G.
Other names: c.1297T>C, p.Cys433Arg (NM_001382394.1); c.1318T>C, p.Cys440Arg (NM_001382395.1); short protein forms C433R, C440R.
Identifiers: ClinVar variation 3620232 (VCV003620232.2).
Genomic context (GRCh38, chr2:39,023,110, plus strand): 5'-GTCTCTCATGTTTGGCTCCTACACGTGTAAGAGTTCCTTCCATTATAAATTCATTACAAC[A>G]CTGTCCAATGTCTTTTCCCTCCCAACCATCAATATTCTTCTGAATCTCGTTCATCTTCTT-3'
Protein context (NP_005624.2, residues 430-450): DGWEGKDIGQ[Cys440Arg]CNEFIMEGTL